The following is an entry in ClinVar:

NM_001375905.1(SGMS2):c.670T>C (p.Phe224Leu)

Genes: CYP2U1-AS1 (CYP2U1 and SGMS2 antisense RNA 1; minus strand), SGMS2 (sphingomyelin synthase 2; plus strand). Cytogenetic location: 4q25.
Variant type: single nucleotide variant.
Coding change: c.670T>C on transcript NM_001375905.1 (MANE Select); coding-DNA position 670, T replaced by C.
Protein change: p.Phe224Leu; replaces phenylalanine 224 with leucine.
Molecular consequence: missense variant.
Genome position (GRCh38, 1-based): chr4:107,903,329, T>C. VCF-style: chr4-107903329-T-C. GRCh37 (hg19) VCF-style: chr4-108824485-T-C.
Other names: c.670T>C, p.Phe224Leu (NM_001136257.2, NM_001136258.2, NM_001375906.1 and 4 more transcripts); c.151T>C, p.Phe51Leu (NM_001375911.1); short protein forms F224L, F51L.
Identifiers: ClinVar variation 3644383 (VCV003644383.2).

ClinVar aggregate classification (germline): Uncertain significance (1 of 4 stars; one submission).

gnomAD v4.1: 8 of 1,614,030 alleles (0.0005%); highest among the groups gnomAD compares: Admixed American, 0.012%; no homozygotes.

Submission:

Labcorp Genetics (formerly Invitae), Labcorp
Classification: Uncertain significance. Last evaluated: 2025-03-05. Review status: criteria provided, single submitter. Criteria: Invitae Variant Classification Sherloc (09022015). Collection method: clinical testing. Allele origin: germline.
Comment: This sequence change replaces phenylalanine, which is neutral and non-polar, with leucine, which is neutral and non-polar, at codon 224 of the SGMS2 protein (p.Phe224Leu). This variant is present in population databases (rs757515428, gnomAD 0.01%). This variant has not been reported in the literature in individuals affected with SGMS2-related conditions. Invitae Evidence Modeling of protein sequence and biophysical properties (such as structural, functional, and spatial information, amino acid conservation, physicochemical variation, residue mobility, and thermodynamic stability) indicates that this missense variant is not expected to disrupt SGMS2 protein function with a negative predictive value of 80%. In summary, the available evidence is currently insufficient to determine the role of this variant in disease. Therefore, it has been classified as a Variant of Uncertain Significance.